The following is an entry in ClinVar:

ClinVar aggregate classification (germline): Uncertain significance (0 of 4 stars; one submission).

Conditions:
DYRK1B-related disorder. Also called: DYRK1B-related condition.

Submission:

PreventionGenetics, part of Exact Sciences
Classification: Uncertain significance for DYRK1B-related condition. Last evaluated: 2024-01-30. Review status: no assertion criteria provided. Collection method: clinical testing. Allele origin: germline.
Comment: The DYRK1B c.1715C>T variant is predicted to result in the amino acid substitution p.Pro572Leu. To our knowledge, this variant has not been reported in the literature. This variant is reported in 0.0011% of alleles in individuals of European (Non-Finnish) descent in gnomAD. At this time, the clinical significance of this variant is uncertain due to the absence of conclusive functional and genetic evidence.

NM_004714.3(DYRK1B):c.1715C>T (p.Pro572Leu)

Gene: DYRK1B (dual specificity tyrosine phosphorylation regulated kinase 1B; minus strand). Cytogenetic location: 19q13.2.
Variant type: single nucleotide variant.
Coding change: c.1715C>T on transcript NM_004714.3 (MANE Select); coding-DNA position 1715, C replaced by T.
Protein change: p.Pro572Leu; replaces proline 572 with leucine.
Molecular consequence: missense variant.
Genome position (GRCh38, 1-based): chr19:39,825,890, G>A on the plus strand (C>T on the coding strand, the complement: DYRK1B is on the minus strand). VCF-style: chr19-39825890-G-A. GRCh37 (hg19) VCF-style: chr19-40316530-G-A.
Other names: c.1595C>T, p.Pro532Leu (NM_006483.3); c.1631C>T, p.Pro544Leu (NM_006484.3); short protein forms P532L, P544L, P572L.
Identifiers: ClinVar variation 3352227 (VCV003352227.1).